The following is an entry in ClinVar:

ClinVar aggregate classification (germline): Likely benign. Review status: criteria provided, multiple submitters, no conflicts (2 of 4 stars). 3 submissions from 3 submitters: Likely benign (3). Last evaluated 2025-12-03.

Conditions:
Inborn genetic diseases. Identifiers: MedGen C0950123, MeSH D030342.
Very long chain acyl-CoA dehydrogenase deficiency (ACADVLD). Also called: VLCAD Deficiency; Very Long-Chain Acyl-Coenzyme A Dehydrogenase Deficiency. Identifiers: Orphanet 26793, MedGen C3887523, MONDO:0008723, OMIM 201475.

Allele frequency attached by ClinVar (database versions not stated): gnomAD 0.00002 and 0.00003; TOPMed 0.00003; gnomAD exomes 0.00006; ExAC 0.00007; ESP Exome Variant Server 0.00008.
gnomAD v4.1: 19 of 1,614,118 alleles (0.0012%); highest among the groups gnomAD compares: East Asian, 0.022%; no homozygotes.

Submissions (3):

Labcorp Genetics (formerly Invitae), Labcorp
Classification: Likely benign for Very long chain acyl-CoA dehydrogenase deficiency. Last evaluated: 2025-12-03. Review status: criteria provided, single submitter. Criteria: Invitae Variant Classification Sherloc (09022015). Collection method: clinical testing. Allele origin: germline.

Ambry Genetics
Classification: Likely benign for Inborn genetic diseases. Last evaluated: 2024-01-14. Review status: criteria provided, single submitter. Criteria: Ambry Variant Classification Scheme 2023. Collection method: clinical testing. Allele origin: germline.

GeneDx
Classification: Likely benign. Last evaluated: 2018-01-05. Review status: criteria provided, single submitter. Criteria: GeneDx Variant Classification (06012015). Collection method: clinical testing. Allele origin: germline. Affected: yes.
Comment: This variant is considered likely benign or benign based on one or more of the following criteria: it is a conservative change, it occurs at a poorly conserved position in the protein, it is predicted to be benign by multiple in silico algorithms, and/or has population frequency not consistent with disease.

NM_000018.4(ACADVL):c.1866G>A (p.Gln622=)

Gene: ACADVL (acyl-CoA dehydrogenase very long chain; plus strand). Cytogenetic location: 17p13.1.
Variant type: single nucleotide variant.
Coding change: c.1866G>A on transcript NM_000018.4 (MANE Select); coding-DNA position 1866, G replaced by A.
Protein change: p.Gln622=; no amino-acid change (glutamine 622 retained).
Molecular consequence: synonymous variant.
Genome position (GRCh38, 1-based): chr17:7,224,995, G>A. VCF-style: chr17-7224995-G-A. GRCh37 (hg19) VCF-style: chr17-7128314-G-A.
Other names: c.1800G>A, p.Gln600= (NM_001033859.3); c.1935G>A, p.Gln645= (NM_001270447.2); c.1638G>A, p.Gln546= (NM_001270448.2).
Identifiers: ClinVar variation 514267 (VCV000514267.10), dbSNP rs373898227, ClinGen allele CA8338302.